The following is an entry in ClinVar:

ClinVar aggregate classification (germline): Pathogenic (1 of 4 stars; one submission).

Conditions:
Hereditary breast ovarian cancer syndrome. Also called: Hereditary breast and ovarian cancer; Hereditary breast and ovarian cancer syndrome; Breast and ovarian cancer; BRCA1- and BRCA2-Associated Hereditary Breast and Ovarian Cancer; Hereditary breast and/or ovarian cancer syndrome; Hereditary breast and ovarian cancer syndrome (HBOC). Identifiers: Orphanet 145, MedGen C0677776, MeSH D061325, MONDO:0003582. Disease mechanism: loss of function.

Submission:

Labcorp Genetics (formerly Invitae), Labcorp
Classification: Pathogenic for Hereditary breast ovarian cancer syndrome. Last evaluated: 2024-10-29. Review status: criteria provided, single submitter. Criteria: Invitae Variant Classification Sherloc (09022015). Collection method: clinical testing. Allele origin: germline.
Comment: This sequence change creates a premature translational stop signal (p.Thr17Phefs*16) in the BRCA2 gene. It is expected to result in an absent or disrupted protein product. Loss-of-function variants in BRCA2 are known to be pathogenic (PMID: 20104584). This variant is not present in population databases (gnomAD no frequency). This variant has not been reported in the literature in individuals affected with BRCA2-related conditions. For these reasons, this variant has been classified as Pathogenic.

Literature cited by the submitters: PubMed 20104584.

NM_000059.4(BRCA2):c.48_50delinsATTTCAAGAT (p.Thr17fs)

Gene: BRCA2 (BRCA2 DNA repair associated; plus strand). Cytogenetic location: 13q13.1.
Variant type: Indel.
Coding change: c.48_50delinsATTTCAAGAT on transcript NM_000059.4 (MANE Select); coding-DNA positions 48 to 50, GAC replaced by ATTTCAAGAT.
Protein change: p.Thr17fs; shifts the reading frame from threonine 17.
Molecular consequence: frameshift variant.
Genome position (GRCh38, 1-based): chr13:32,316,508-32,316,510, GAC replaced by ATTTCAAGAT. VCF-style: chr13-32316508-GAC-ATTTCAAGAT. GRCh37 (hg19) VCF-style: chr13-32890645-GAC-ATTTCAAGAT.
Other names: c.48_50delGACinsATTTCAAGAT, p.Thr17Phefs (NM_001406719.1, NM_001406720.1, NM_001406721.1); short protein forms T17fs.
Identifiers: ClinVar variation 2099591 (VCV002099591.4), dbSNP rs483353081, ClinGen allele CA2580086951.